The following is an entry in ClinVar:

NM_000501.4(ELN):c.1358-190G>C

Gene: ELN (elastin; plus strand). Cytogenetic location: 7q11.23.
Variant type: single nucleotide variant.
Coding change: c.1358-190G>C on transcript NM_000501.4 (MANE Select); 190 bases into the intron before coding-DNA position 1358, G replaced by C.
Molecular consequence: intron variant. On other transcripts: missense variant (1).
Genome position (GRCh38, 1-based): chr7:74,057,450, G>C. VCF-style: chr7-74057450-G-C. GRCh37 (hg19) VCF-style: chr7-73471780-G-C.
Other names: c.1426G>C, p.Gly476Arg (NM_001278939.2); c.1373-190G>C (NM_001081754.3); c.1372+737G>C (NM_001081753.3); c.1358-190G>C (NM_001278915.2, NM_001278912.2); c.1357+737G>C (NM_001081755.3); c.1315+737G>C (NM_001278916.2); c.1171+737G>C (NM_001278913.2); c.1342+737G>C (NM_001278914.2); and 3 more; short protein forms G476R.
Identifiers: ClinVar variation 4874561 (VCV004874561.2).

ClinVar aggregate classification (germline): Uncertain significance (1 of 4 stars; one submission).

Submission:

CeGaT Center for Human Genetics Tuebingen
Classification: Uncertain significance. Last evaluated: 2026-04-01. Review status: criteria provided, single submitter. Criteria: CeGaT Center For Human Genetics Tuebingen Variant Classification Criteria Version 2. Collection method: clinical testing. Allele origin: germline. Affected: yes. Observed: 1 variant allele.
Comment: ELN: PM2, BP4